The following is an entry in ClinVar:

NM_017849.4(TMEM127):c.211G>C (p.Val71Leu)

Gene: TMEM127 (transmembrane protein 127; minus strand). Cytogenetic location: 2q11.2.
Variant type: single nucleotide variant.
Coding change: c.211G>C on transcript NM_017849.4 (MANE Select); coding-DNA position 211, G replaced by C.
Protein change: p.Val71Leu; replaces valine 71 with leucine.
Molecular consequence: missense variant.
Genome position (GRCh38, 1-based): chr2:96,265,171, C>G on the plus strand (G>C on the coding strand, the complement: TMEM127 is on the minus strand). VCF-style: chr2-96265171-C-G. GRCh37 (hg19) VCF-style: chr2-96930909-C-G.
Other names: c.211G>C, p.Val71Leu (NM_001193304.3); short protein forms V71L.
Identifiers: ClinVar variation 1971684 (VCV001971684.6), dbSNP rs142947571, ClinGen allele CA1777383.
Genomic context (GRCh38, chr2:96,265,171, plus strand): 5'-TTAAGGGCCAGCGCGCAGCACCCTCACCTTTCAGCAGGTCCGGGTGCACATAGCCCAACA[C>G]GTCGGAGACCCCCAGCTCCTGGCGCGAACAGGTGCCTCCGTGGATGTGCAACCAGGCGGG-3'
Protein context (NP_060319.1, residues 61-81): CSRQELGVSD[Val71Leu]LGYVHPDLLK

ClinVar aggregate classification (germline): Uncertain significance. Review status: criteria provided, multiple submitters, no conflicts (2 of 4 stars). 2 submissions from 2 submitters: Uncertain significance (2). Last evaluated 2026-09-02.

Conditions:
Hereditary cancer-predisposing syndrome. Also called: Hereditary neoplastic syndrome; Neoplastic Syndromes, Hereditary; Tumor predisposition; Hereditary Cancer Syndrome. Identifiers: Orphanet 140162, MedGen C0027672, MeSH D009386, MONDO:0015356.
Hereditary pheochromocytoma and paraganglioma. Also called: Hereditary Paraganglioma-Pheochromocytoma Syndromes; Hereditary paragangliomas and pheochromocytomas; Hereditary pheochromocytoma-paraganglioma. Identifiers: Orphanet 29072, MedGen C4274332, MONDO:0017366.

Allele frequency attached by ClinVar (database versions not stated): ExAC 0.00001.

Submissions (2):

Ambry Genetics
Classification: Uncertain significance for Hereditary cancer-predisposing syndrome. Last evaluated: 2026-09-02. Review status: criteria provided, single submitter. Criteria: Ambry Variant Classification Scheme 2023. Collection method: clinical testing. Allele origin: germline.

Labcorp Genetics (formerly Invitae), Labcorp
Classification: Uncertain significance for Hereditary pheochromocytoma and paraganglioma. Last evaluated: 2024-04-05. Review status: criteria provided, single submitter. Criteria: Invitae Variant Classification Sherloc (09022015). Collection method: clinical testing. Allele origin: germline.
Comment: This sequence change replaces valine, which is neutral and non-polar, with leucine, which is neutral and non-polar, at codon 71 of the TMEM127 protein (p.Val71Leu). This variant is present in population databases (rs142947571, gnomAD 0.0009%). This variant has not been reported in the literature in individuals affected with TMEM127-related conditions. ClinVar contains an entry for this variant (Variation ID: 1971684). An algorithm developed to predict the effect of missense changes on protein structure and function (PolyPhen-2) suggests that this variant is likely to be tolerated. In summary, the available evidence is currently insufficient to determine the role of this variant in disease. Therefore, it has been classified as a Variant of Uncertain Significance.